The following is an entry in ClinVar:

NM_020207.7(ERCC6L2):c.2055C>G (p.Phe685Leu)

Gene: ERCC6L2 (ERCC excision repair 6 like 2; plus strand). Cytogenetic location: 9q22.32.
Variant type: single nucleotide variant.
Coding change: c.2055C>G on transcript NM_020207.7 (MANE Select); coding-DNA position 2055, C replaced by G.
Protein change: p.Phe685Leu; replaces phenylalanine 685 with leucine.
Molecular consequence: missense variant. On other transcripts: non-coding transcript variant (1).
Genome position (GRCh38, 1-based): chr9:95,966,669, C>G. VCF-style: chr9-95966669-C-G. GRCh37 (hg19) VCF-style: chr9-98728951-C-G.
Other names: c.2055C>G, p.Phe685Leu (NM_001010895.4, NM_001375291.1, NM_001375292.1 and 2 more transcripts); short protein forms F685L.
Identifiers: ClinVar variation 4019296 (VCV004019296.1).

ClinVar aggregate classification (germline): Uncertain significance (1 of 4 stars; one submission).

Conditions:
Inborn genetic diseases. Identifiers: MedGen C0950123, MeSH D030342.

gnomAD v4.1: 11 of 1,519,846 alleles (0.00072%); highest among the groups gnomAD compares: Non-Finnish European, 0.00099%; no homozygotes.

Submission:

Ambry Genetics
Classification: Uncertain significance for Inborn genetic diseases. Last evaluated: 2025-04-06. Review status: criteria provided, single submitter. Criteria: Ambry Variant Classification Scheme 2023. Collection method: clinical testing. Allele origin: germline.
Comment: The p.F685L variant (also known as c.2055C>G), located in coding exon 14 of the ERCC6L2 gene, results from a C to G substitution at nucleotide position 2055. The phenylalanine at codon 685 is replaced by leucine, an amino acid with highly similar properties. This amino acid position is conserved. In addition, the in silico prediction for this alteration is inconclusive. Based on the available evidence, the clinical significance of this variant remains unclear.